The following is an entry in ClinVar:

ClinVar aggregate classification (germline): Benign/Likely benign. Review status: criteria provided, multiple submitters, no conflicts (2 of 4 stars). 2 submissions from 2 submitters: Benign (1); Likely benign (1). Last evaluated 2026-01-19.

Allele frequency attached by ClinVar (database versions not stated): gnomAD 0.00022; ESP Exome Variant Server 0.00023; TOPMed 0.00030; gnomAD exomes 0.00034; ExAC 0.00092.
gnomAD v4.1: 554 of 1,613,806 alleles (0.034%); highest among the groups gnomAD compares: Admixed American, 0.24%; 4 homozygotes.

Submissions (2):

Labcorp Genetics (formerly Invitae), Labcorp
Classification: Benign. Last evaluated: 2026-01-19. Review status: criteria provided, single submitter. Criteria: Invitae Variant Classification Sherloc (09022015). Collection method: clinical testing. Allele origin: germline.

CeGaT Center for Human Genetics Tuebingen
Classification: Likely benign. Last evaluated: 2026-01-01. Review status: criteria provided, single submitter. Criteria: CeGaT Center For Human Genetics Tuebingen Variant Classification Criteria Version 2. Collection method: clinical testing. Allele origin: germline. Affected: yes. Observed: 1 variant allele.
Comment: KMT2E: BP4, BS1

NM_182931.3(KMT2E):c.291T>C (p.Phe97=)

Gene: KMT2E (lysine methyltransferase 2E (inactive); plus strand). Cytogenetic location: 7q22.3.
Variant type: single nucleotide variant.
Coding change: c.291T>C on transcript NM_182931.3 (MANE Select); coding-DNA position 291, T replaced by C.
Protein change: p.Phe97=; no amino-acid change (phenylalanine 97 retained).
Molecular consequence: synonymous variant.
Genome position (GRCh38, 1-based): chr7:105,063,455, T>C. VCF-style: chr7-105063455-T-C. GRCh37 (hg19) VCF-style: chr7-104703902-T-C.
Other names: c.291T>C, p.Phe97= (NM_001410908.1, NM_018682.4).
Identifiers: ClinVar variation 2060339 (VCV002060339.8), dbSNP rs371844872, ClinGen allele CA4423661.